The following is an entry in ClinVar:

ClinVar aggregate classification (germline): Uncertain significance (1 of 4 stars; one submission).

Conditions:
Combined immunodeficiency due to DOCK8 deficiency (HIES2). Also called: HIES autosomal recessive; Hyper-IgE recurrent infection syndrome, autosomal recessive; HYPER-IgE RECURRENT INFECTION SYNDROME 2, AUTOSOMAL RECESSIVE; HYPER-IgE SYNDROME 2, AUTOSOMAL RECESSIVE, WITH RECURRENT INFECTIONS; DOCK8 Deficiency. Identifiers: Orphanet 217390, MedGen C4722305, MONDO:0009478, OMIM 243700.

Submission:

Labcorp Genetics (formerly Invitae), Labcorp
Classification: Uncertain significance for Combined immunodeficiency due to DOCK8 deficiency. Last evaluated: 2024-06-16. Review status: criteria provided, single submitter. Criteria: Invitae Variant Classification Sherloc (09022015). Collection method: clinical testing. Allele origin: germline.
Comment: This sequence change replaces methionine, which is neutral and non-polar, with valine, which is neutral and non-polar, at codon 1922 of the DOCK8 protein (p.Met1922Val). This variant is present in population databases (rs753904060, gnomAD 0.006%). This variant has not been reported in the literature in individuals affected with DOCK8-related conditions. Advanced modeling of protein sequence and biophysical properties (such as structural, functional, and spatial information, amino acid conservation, physicochemical variation, residue mobility, and thermodynamic stability) performed at Invitae indicates that this missense variant is not expected to disrupt DOCK8 protein function with a negative predictive value of 80%. In summary, the available evidence is currently insufficient to determine the role of this variant in disease. Therefore, it has been classified as a Variant of Uncertain Significance.

NM_203447.4(DOCK8):c.5764A>G (p.Met1922Val)

Gene: DOCK8 (dedicator of cytokinesis 8; plus strand). Cytogenetic location: 9p24.3.
Variant type: single nucleotide variant.
Coding change: c.5764A>G on transcript NM_203447.4 (MANE Select); coding-DNA position 5764, A replaced by G.
Protein change: p.Met1922Val; replaces methionine 1922 with valine.
Molecular consequence: missense variant.
Genome position (GRCh38, 1-based): chr9:446,553, A>G. VCF-style: chr9-446553-A-G. GRCh37 (hg19) VCF-style: chr9-446553-A-G.
Other names: c.5464A>G, p.Met1822Val (NM_001190458.2); c.5560A>G, p.Met1854Val (NM_001193536.2); short protein forms M1822V, M1854V, M1922V.
Identifiers: ClinVar variation 3611963 (VCV003611963.2).
Genomic context (GRCh38, chr9:446,553, plus strand): 5'-GAGGGGCGGCCTCGGGGAGAGCTGCATGAGCAGTACAGAAGGAACACAGTCCTGACCACT[A>G]TGCACGCCTTCCCCTACATCAAGACCAGGATCAGCGTCATCCAGAAGGAGGAGGTAATGC-3'
Protein context (NP_982272.2, residues 1912-1932): QYRRNTVLTT[Met1922Val]HAFPYIKTRI